The following is an entry in ClinVar:

NM_006514.4(SCN10A):c.4304T>C (p.Met1435Thr)

Gene: SCN10A (sodium voltage-gated channel alpha subunit 10; minus strand). Cytogenetic location: 3p22.2.
Variant type: single nucleotide variant.
Coding change: c.4304T>C on transcript NM_006514.4 (MANE Select); coding-DNA position 4304, T replaced by C.
Protein change: p.Met1435Thr; replaces methionine 1435 with threonine.
Molecular consequence: missense variant.
Genome position (GRCh38, 1-based): chr3:38,707,361, A>G on the plus strand (T>C on the coding strand, the complement: SCN10A is on the minus strand). VCF-style: chr3-38707361-A-G. GRCh37 (hg19) VCF-style: chr3-38748852-A-G.
Other names: c.4301T>C, p.Met1434Thr (NM_001293306.2); c.4010T>C, p.Met1337Thr (NM_001293307.2); c.4304T>C (NM_006514.2); short protein forms M1337T, M1435T, M1434T.
Identifiers: ClinVar variation 649660 (VCV000649660.5), dbSNP rs759286277, ClinGen allele CA2319937.

ClinVar aggregate classification (germline): Uncertain significance. Review status: criteria provided, multiple submitters, no conflicts (2 of 4 stars). 2 submissions from 2 submitters: Uncertain significance (2). Last evaluated 2025-11-16.

Conditions:
Cardiovascular phenotype. Identifiers: MedGen CN230736.
Brugada syndrome. Also called: Sudden unexpected nocturnal death syndrome; Sudden Unexplained Death Syndrome; Sudden Unexplained Nocturnal Death Syndrome (SUNDS); Sudden unexplained nocturnal death syndrome. Identifiers: Orphanet 130, MedGen C1142166, MONDO:0015263.

Allele frequency attached by ClinVar (database versions not stated): gnomAD exomes below 0.00001; TOPMed 0.00003; ExAC 0.00001; gnomAD 0.00001 and 0.00002.

Submissions (2):

Ambry Genetics
Classification: Uncertain significance for Cardiovascular phenotype. Last evaluated: 2025-11-16. Review status: criteria provided, single submitter. Criteria: Ambry Variant Classification Scheme 2023. Collection method: clinical testing. Allele origin: germline.
Comment: The p.M1435T variant (also known as c.4304T>C), located in coding exon 25 of the SCN10A gene, results from a T to C substitution at nucleotide position 4304. The methionine at codon 1435 is replaced by threonine, an amino acid with similar properties. This amino acid position is conserved. In addition, this alteration is predicted to be deleterious by in silico analysis. Based on the available evidence, the clinical significance of this variant remains unclear.

Labcorp Genetics (formerly Invitae), Labcorp
Classification: Uncertain significance for Brugada syndrome. Last evaluated: 2018-12-10. Review status: criteria provided, single submitter. Criteria: Invitae Variant Classification Sherloc (09022015). Collection method: clinical testing. Allele origin: germline.
Comment: This sequence change replaces methionine with threonine at codon 1435 of the SCN10A protein (p.Met1435Thr). The methionine residue is highly conserved and there is a moderate physicochemical difference between methionine and threonine. The frequency data for this variant in the population databases is considered unreliable, as metrics indicate poor data quality at this position in the ExAC database. This variant has not been reported in the literature in individuals with SCN10A-related conditions. Algorithms developed to predict the effect of missense changes on protein structure and function are either unavailable or do not agree on the potential impact of this missense change (SIFT: "Deleterious"; PolyPhen-2: "Possibly Damaging"; Align-GVGD: "Class C0"). In summary, the available evidence is currently insufficient to determine the role of this variant in disease. Therefore, it has been classified as a Variant of Uncertain Significance.